The following is an entry in ClinVar:

NM_001374736.1(DST):c.14440+10G>A

Gene: DST (dystonin; minus strand). Cytogenetic location: 6p12.1.
Variant type: single nucleotide variant.
Coding change: c.14440+10G>A on transcript NM_001374736.1 (MANE Select); 10 bases into the intron after coding-DNA position 14440, G replaced by A.
Molecular consequence: intron variant.
Genome position (GRCh38, 1-based): chr6:56,560,284, C>T on the plus strand (G>A on the coding strand, the complement: DST is on the minus strand). VCF-style: chr6-56560284-C-T. GRCh37 (hg19) VCF-style: chr6-56425082-C-T.
Other names: c.8083+10G>A (NM_001144769.5); c.14440+10G>A (NM_001374722.1); c.14467+10G>A (NM_001374734.1); c.7669+10G>A (NM_001144770.2); c.7549+10G>A (NM_001374730.1, NM_001386100.1, NM_183380.4); c.13807+10G>A (NM_001374729.1); c.6571+10G>A (NM_015548.5).
Identifiers: ClinVar variation 796490 (VCV000796490.13), dbSNP rs375501871, ClinGen allele CA3868022.

ClinVar aggregate classification (germline): Likely benign. Review status: criteria provided, multiple submitters, no conflicts (2 of 4 stars). 2 submissions from 2 submitters: Likely benign (2). Last evaluated 2025-12-29.

Conditions:
Hereditary sensory and autonomic neuropathy type 6. Also called: HSAN VI; Neuropathy, hereditary sensory and autonomic, type VI. Identifiers: Orphanet 314381, MedGen C3539003, MONDO:0013839, OMIM 614653.
Epidermolysis bullosa simplex 3, localized or generalized intermediate, with BP230 deficiency (EBS3). Also called: Epidermolysis bullosa simplex, autosomal recessive 2; Epidermolysis bullosa simplex due to BP230 deficiency. Identifiers: Orphanet 412181, MedGen C3809470, MONDO:0014180, OMIM 615425.
DST-related disorder. Also called: DST-related condition; DST-related disorders.

Allele frequency attached by ClinVar (database versions not stated): ESP Exome Variant Server 0.00008; ExAC 0.00013; gnomAD 0.00011 and 0.00012; TOPMed 0.00010; gnomAD exomes 0.00014 and 0.00018.
gnomAD v4.1: 272 of 1,585,742 alleles (0.017%); highest among the groups gnomAD compares: Non-Finnish European, 0.022%; no homozygotes.

Submissions (2):

PreventionGenetics, part of Exact Sciences
Classification: Likely benign for DST-related condition. Last evaluated: 2025-12-29. Review status: criteria provided, single submitter. Criteria: ACMG Guidelines, 2015. Collection method: clinical testing. Allele origin: germline.
Comment: This variant is classified as likely benign based on ACMG/AMP sequence variant interpretation guidelines (Richards et al. 2015 PMID: 25741868, with internal and published modifications).

Labcorp Genetics (formerly Invitae), Labcorp
Classification: Likely benign for Epidermolysis bullosa simplex 3, localized or generalized intermediate, with BP230 deficiency; Hereditary sensory and autonomic neuropathy type 6. Last evaluated: 2024-08-04. Review status: criteria provided, single submitter. Criteria: Invitae Variant Classification Sherloc (09022015). Collection method: clinical testing. Allele origin: germline.